The following is an entry in ClinVar:

NM_014727.3(KMT2B):c.6712C>T (p.Pro2238Ser)

Gene: KMT2B (lysine methyltransferase 2B; plus strand). Cytogenetic location: 19q13.12.
Variant type: single nucleotide variant.
Coding change: c.6712C>T on transcript NM_014727.3 (MANE Select); coding-DNA position 6712, C replaced by T.
Protein change: p.Pro2238Ser; replaces proline 2238 with serine.
Molecular consequence: missense variant.
Genome position (GRCh38, 1-based): chr19:35,733,261, C>T. VCF-style: chr19-35733261-C-T. GRCh37 (hg19) VCF-style: chr19-36224162-C-T.
Other names: short protein forms P2238S.
Identifiers: ClinVar variation 2498774 (VCV002498774.28), dbSNP rs780824088, ClinGen allele CA405429989.

ClinVar aggregate classification (germline): Uncertain significance (1 of 4 stars; one submission).

Allele frequency attached by ClinVar (database versions not stated): gnomAD exomes below 0.00001.
gnomAD v4.1: 1 of 1,478,482 alleles (0.000068%); highest among the groups gnomAD compares: South Asian, 0.0012%; no homozygotes.

Submission:

CeGaT Center for Human Genetics Tuebingen
Classification: Uncertain significance. Last evaluated: 2023-01-01. Review status: criteria provided, single submitter. Criteria: CeGaT Center For Human Genetics Tuebingen Variant Classification Criteria Version 2. Collection method: clinical testing. Allele origin: germline. Affected: yes. Observed: 1 variant allele.
Comment: KMT2B: PM2, PP3